The following is an entry in ClinVar:

ClinVar aggregate classification (germline): Likely pathogenic. Review status: criteria provided, multiple submitters, no conflicts (2 of 4 stars). 2 submissions from 2 submitters: Likely pathogenic (2). Last evaluated 2024-08-19.

Conditions:
Usher syndrome type 1 (USH1). Also called: RETINITIS PIGMENTOSA AND CONGENITAL DEAFNESS. Identifiers: Orphanet 231169, Orphanet 886, MedGen C1568247, MONDO:0010168, OMIM 276900.
Usher syndrome type 1B (USH1B). Also called: Usher syndrome type IB. Identifiers: MedGen C1848638, MONDO:0700087.

Allele frequency attached by ClinVar (database versions not stated): gnomAD exomes below 0.00001; TOPMed below 0.00001.

Submissions (2):

Natera, Inc.
Classification: Likely pathogenic for Usher syndrome type 1B. Last evaluated: 2024-08-19. Review status: criteria provided, single submitter. Criteria: Natera Variant Classification Schema (03/2026). Collection method: clinical testing. Allele origin: germline.
Comment: The c.32G>A variant in MYO7A is a nonsense variant predicted to introduce a stop codon at amino acid 11. This variant is expected to result in nonsense mediated decay, truncation, or a dysfunctional protein product. This variant is rare in the general population with a frequency below the threshold expected for the associated phenotype(s). Given the available evidence, this variant is classified as Likely Pathogenic.

Myriad Genetics, Inc.
Classification: Likely pathogenic for Usher syndrome type 1. Last evaluated: 2019-09-11. Review status: criteria provided, single submitter. Criteria: Myriad Women's Health Autosomal Recessive and X-Linked Classification Criteria (2019). Collection method: clinical testing. Allele origin: unknown.
Comment: NM_000260.3(MYO7A):c.32G>A(W11*) is expected to be pathogenic in the context of MYO7A-related disorders. This variant is predicted to lead to an abnormal or absent protein product due to the creation of a premature termination codon in MYO7A, a gene where loss-of-function variants are known to be pathogenic. Please note: this variant was assessed in the context of healthy population screening.

NM_000260.4(MYO7A):c.32G>A (p.Trp11Ter)

Gene: MYO7A (myosin VIIA; plus strand). Cytogenetic location: 11q13.5.
Variant type: single nucleotide variant.
Coding change: c.32G>A on transcript NM_000260.4 (MANE Select); coding-DNA position 32, G replaced by A.
Protein change: p.Trp11Ter; replaces tryptophan 11 with a stop codon.
Molecular consequence: nonsense. On other transcripts: 5 prime UTR variant (1).
Genome position (GRCh38, 1-based): chr11:77,142,722, G>A. VCF-style: chr11-77142722-G-A. GRCh37 (hg19) VCF-style: chr11-76853768-G-A.
Other names: c.32G>A (NM_000260.3); c.32G>A, p.Trp11Ter (NM_001127180.2); c.-2G>A (NM_001369365.1); short protein forms W11*.
Identifiers: ClinVar variation 984274 (VCV000984274.4), dbSNP rs1307924861, ClinGen allele CA381947513.